The following is an entry in ClinVar:

NM_014159.7(SETD2):c.3776G>A (p.Gly1259Asp)

Gene: SETD2 (SET domain containing 2, histone lysine methyltransferase; minus strand). Cytogenetic location: 3p21.31.
Variant type: single nucleotide variant.
Coding change: c.3776G>A on transcript NM_014159.7 (MANE Select); coding-DNA position 3776, G replaced by A.
Protein change: p.Gly1259Asp; replaces glycine 1259 with aspartic acid.
Molecular consequence: missense variant. On other transcripts: non-coding transcript variant (1).
Genome position (GRCh38, 1-based): chr3:47,120,860, C>T on the plus strand (G>A on the coding strand, the complement: SETD2 is on the minus strand). VCF-style: chr3-47120860-C-T. GRCh37 (hg19) VCF-style: chr3-47162350-C-T.
Other names: c.3644G>A, p.Gly1215Asp (NM_001349370.3); short protein forms G1215D, G1259D.
Identifiers: ClinVar variation 2113968 (VCV002113968.4), dbSNP rs779260778, ClinGen allele CA2363333.

ClinVar aggregate classification (germline): Uncertain significance (1 of 4 stars; one submission).

Conditions:
Luscan-Lumish syndrome. Identifiers: Orphanet 597738, MedGen C4085873, MONDO:0014791, OMIM 616831.

Allele frequency attached by ClinVar (database versions not stated): TOPMed below 0.00001; gnomAD 0.00001; ExAC 0.00002.
gnomAD v4.1: 7 of 1,614,092 alleles (0.00043%); highest among the groups gnomAD compares: Non-Finnish European, 0.00059%; no homozygotes.

Submission:

Labcorp Genetics (formerly Invitae), Labcorp
Classification: Uncertain significance for Luscan-Lumish syndrome. Last evaluated: 2022-08-13. Review status: criteria provided, single submitter. Criteria: Invitae Variant Classification Sherloc (09022015). Collection method: clinical testing. Allele origin: germline.
Comment: This variant has not been reported in the literature in individuals affected with SETD2-related conditions. In summary, the available evidence is currently insufficient to determine the role of this variant in disease. Therefore, it has been classified as a Variant of Uncertain Significance. Algorithms developed to predict the effect of missense changes on protein structure and function are either unavailable or do not agree on the potential impact of this missense change (SIFT: "Tolerated"; PolyPhen-2: "Possibly Damaging"; Align-GVGD: "Class C0"). This variant is present in population databases (rs779260778, gnomAD 0.003%). This sequence change replaces glycine, which is neutral and non-polar, with aspartic acid, which is acidic and polar, at codon 1259 of the SETD2 protein (p.Gly1259Asp).